The following is an entry in ClinVar:

NM_000059.4(BRCA2):c.9416T>G (p.Phe3139Cys)

Gene: BRCA2 (BRCA2 DNA repair associated; plus strand). Cytogenetic location: 13q13.1.
Variant type: single nucleotide variant.
Coding change: c.9416T>G on transcript NM_000059.4 (MANE Select); coding-DNA position 9416, T replaced by G.
Protein change: p.Phe3139Cys; replaces phenylalanine 3139 with cysteine.
Molecular consequence: missense variant.
Genome position (GRCh38, 1-based): chr13:32,394,848, T>G. VCF-style: chr13-32394848-T-G. GRCh37 (hg19) VCF-style: chr13-32968985-T-G.
Other names: short protein forms F3139C.
Identifiers: ClinVar variation 921451 (VCV000921451.6), dbSNP rs1367391447, ClinGen allele CA387761450.

ClinVar aggregate classification (germline): Uncertain significance. Review status: criteria provided, multiple submitters, no conflicts (2 of 4 stars). 2 submissions from 2 submitters: Uncertain significance (2). Last evaluated 2025-03-25.

Conditions:
Hereditary breast ovarian cancer syndrome. Also called: BRCA1- and BRCA2-Associated Hereditary Breast and Ovarian Cancer; Hereditary breast and ovarian cancer syndrome; Hereditary breast and ovarian cancer; Hereditary breast and ovarian cancer syndrome (HBOC); Breast and ovarian cancer; Hereditary breast and/or ovarian cancer syndrome. Identifiers: Orphanet 145, MedGen C0677776, MeSH D061325, MONDO:0003582. Disease mechanism: loss of function.
Hereditary cancer-predisposing syndrome. Also called: Neoplastic Syndromes, Hereditary; Tumor predisposition; Hereditary Cancer Syndrome; Hereditary neoplastic syndrome. Identifiers: Orphanet 140162, MedGen C0027672, MeSH D009386, MONDO:0015356.

Allele frequency attached by ClinVar (database versions not stated): gnomAD exomes below 0.00001.
gnomAD v4.1: 3 of 1,614,128 alleles (0.00019%); highest among the groups gnomAD compares: South Asian, 0.0033%; no homozygotes.

Submissions (2):

Labcorp Genetics (formerly Invitae), Labcorp
Classification: Uncertain significance for Hereditary breast ovarian cancer syndrome. Last evaluated: 2025-03-25. Review status: criteria provided, single submitter. Criteria: Invitae Variant Classification Sherloc (09022015). Collection method: clinical testing. Allele origin: germline.
Comment: This sequence change replaces phenylalanine, which is neutral and non-polar, with cysteine, which is neutral and slightly polar, at codon 3139 of the BRCA2 protein (p.Phe3139Cys). This variant is present in population databases (no rsID available, gnomAD 0.006%). This variant has not been reported in the literature in individuals affected with BRCA2-related conditions. ClinVar contains an entry for this variant (Variation ID: 921451). Invitae Evidence Modeling of protein sequence and biophysical properties (such as structural, functional, and spatial information, amino acid conservation, physicochemical variation, residue mobility, and thermodynamic stability) indicates that this missense variant is not expected to disrupt BRCA2 protein function with a negative predictive value of 95%. In summary, the available evidence is currently insufficient to determine the role of this variant in disease. Therefore, it has been classified as a Variant of Uncertain Significance.

Color Diagnostics, LLC DBA Color Health
Classification: Uncertain significance for Hereditary cancer-predisposing syndrome. Last evaluated: 2023-12-04. Review status: criteria provided, single submitter. Criteria: ACMG Guidelines, 2015. Collection method: clinical testing. Allele origin: germline.
Comment: This missense variant replaces phenylalanine with cysteine at codon 3139 of the BRCA2 protein. Computational prediction is inconclusive regarding the impact of this variant on protein structure and function (internally defined REVEL score threshold 0.5 < inconclusive < 0.7, PMID: 27666373). To our knowledge, functional studies have not been reported for this variant. This variant has not been reported in individuals affected with BRCA2-related disorders in the literature. This variant has been identified in 1/251360 chromosomes in the general population by the Genome Aggregation Database (gnomAD). The available evidence is insufficient to determine the role of this variant in disease conclusively. Therefore, this variant is classified as a Variant of Uncertain Significance.